The following is an entry in ClinVar:

ClinVar aggregate classification (germline): Uncertain significance (1 of 4 stars; one submission).

Conditions:
Hereditary cancer-predisposing syndrome. Also called: Neoplastic Syndromes, Hereditary; Hereditary neoplastic syndrome; Tumor predisposition; Hereditary Cancer Syndrome. Identifiers: Orphanet 140162, MedGen C0027672, MeSH D009386, MONDO:0015356.

Submission:

Ambry Genetics
Classification: Uncertain significance for Hereditary cancer-predisposing syndrome. Last evaluated: 2026-02-16. Review status: criteria provided, single submitter. Criteria: Ambry Variant Classification Scheme 2023. Collection method: clinical testing. Allele origin: germline.
Comment: The p.E92A variant (also known as c.275A>C), located in coding exon 3 of the TSC2 gene, results from an A to C substitution at nucleotide position 275. The glutamic acid at codon 92 is replaced by alanine, an amino acid with dissimilar properties. This amino acid position is conserved. In addition, the in silico prediction for this alteration is inconclusive. Based on the available evidence, the clinical significance of this variant remains unclear.

NM_000548.5(TSC2):c.275A>C (p.Glu92Ala)

Gene: TSC2 (TSC complex subunit 2; plus strand). Cytogenetic location: 16p13.3.
Variant type: single nucleotide variant.
Coding change: c.275A>C on transcript NM_000548.5 (MANE Select); coding-DNA position 275, A replaced by C.
Protein change: p.Glu92Ala; replaces glutamic acid 92 with alanine.
Molecular consequence: missense variant. On other transcripts: 5 prime UTR variant (14), non-coding transcript variant (5), intron variant (9).
Genome position (GRCh38, 1-based): chr16:2,053,391, A>C. VCF-style: chr16-2053391-A-C. GRCh37 (hg19) VCF-style: chr16-2103392-A-C.
Other names: c.275A>C, p.Glu92Ala (NM_001077183.3, NM_001114382.3, NM_001363528.2 and 10 more transcripts); c.128A>C, p.Glu43Ala (NM_001318829.2, NM_001406675.1, NM_001406676.1 and 2 more transcripts); c.308A>C, p.Glu103Ala (NM_001318832.2); c.-542A>C (NM_001406680.1, NM_001406683.1, NM_001406687.1); c.-171A>C (NM_001406681.1); c.-1157A>C (NM_001406689.1, NM_001406690.1, NM_001406691.1 and 2 more transcripts); c.-1463A>C (NM_001406693.1); c.-1038A>C (NM_001406694.1, NM_001406695.1); and 4 more; short protein forms E103A, E43A, E92A.
Identifiers: ClinVar variation 4823972 (VCV004823972.1).